The following is an entry in ClinVar:

NM_001122630.2(CDKN1C):c.331G>A (p.Ala111Thr)

Gene: CDKN1C (cyclin dependent kinase inhibitor 1C; minus strand). Cytogenetic location: 11p15.4.
Variant type: single nucleotide variant.
Coding change: c.331G>A on transcript NM_001122630.2 (MANE Select); coding-DNA position 331, G replaced by A.
Protein change: p.Ala111Thr; replaces alanine 111 with threonine.
Molecular consequence: missense variant. On other transcripts: intron variant (1).
Genome position (GRCh38, 1-based): chr11:2,885,126, C>T on the plus strand (G>A on the coding strand, the complement: CDKN1C is on the minus strand). VCF-style: chr11-2885126-C-T. GRCh37 (hg19) VCF-style: chr11-2906356-C-T.
Other names: c.364G>A, p.Ala122Thr (NM_000076.2, NM_001362474.2, LRG_533t1); c.331G>A, p.Ala111Thr (NM_001122631.2); c.255+76G>A (NM_001362475.2); short protein forms A122T, A111T.
Identifiers: ClinVar variation 567058 (VCV000567058.12), dbSNP rs551863674, ClinGen allele CA216367349.

ClinVar aggregate classification (germline): Uncertain significance. Review status: criteria provided, multiple submitters, no conflicts (2 of 4 stars). 3 submissions from 3 submitters: Uncertain significance (3). Last evaluated 2025-12-13.

Conditions:
Inborn genetic diseases. Identifiers: MedGen C0950123, MeSH D030342.
IMAGe syndrome. Also called: Intrauterine growth retardation, metaphyseal dysplasia, adrenal hypoplasia congenita, and genital anomalies; Intrauterine Growth Restriction, Metaphyseal Dysplasia, Adrenal Hypoplasia Congenita, and Genital Anomalies. Identifiers: Orphanet 85173, MedGen C1846009, MONDO:0013873, OMIM 614732.
Beckwith-Wiedemann syndrome (BWS). Also called: Exomphalos macroglossia gigantism syndrome; EMG SYNDROME. Identifiers: Orphanet 116, MedGen C0004903, MONDO:0007534, OMIM 130650.

Allele frequency attached by ClinVar (database versions not stated): gnomAD 0.00001; TOPMed 0.00001; gnomAD exomes 0.00002 and 0.00007; 1000 Genomes Project 30x 0.00016; 1000 Genomes Project 0.00020.

Submissions (3):

Labcorp Genetics (formerly Invitae), Labcorp
Classification: Uncertain significance for Beckwith-Wiedemann syndrome. Last evaluated: 2025-12-13. Review status: criteria provided, single submitter. Criteria: Invitae Variant Classification Sherloc (09022015). Collection method: clinical testing. Allele origin: germline.
Comment: This sequence change replaces alanine, which is neutral and non-polar, with threonine, which is neutral and polar, at codon 122 of the CDKN1C protein (p.Ala122Thr). This variant is present in population databases (rs551863674, gnomAD 0.06%). This missense change has been observed in individual(s) with choroid plexus papilloma (PMID: 37204857). ClinVar contains an entry for this variant (Variation ID: 567058). Invitae Evidence Modeling of protein sequence and biophysical properties (such as structural, functional, and spatial information, amino acid conservation, physicochemical variation, residue mobility, and thermodynamic stability) indicates that this missense variant is not expected to disrupt CDKN1C protein function with a negative predictive value of 80%. In summary, the available evidence is currently insufficient to determine the role of this variant in disease. Therefore, it has been classified as a Variant of Uncertain Significance.

Ambry Genetics
Classification: Uncertain significance for Inborn genetic diseases. Last evaluated: 2024-07-30. Review status: criteria provided, single submitter. Criteria: Ambry Variant Classification Scheme 2023. Collection method: clinical testing. Allele origin: germline.

Fulgent Genetics
Classification: Uncertain significance for Beckwith-Wiedemann syndrome; IMAGe syndrome. Last evaluated: 2024-02-07. Review status: criteria provided, single submitter. Criteria: ACMG Guidelines, 2015. Collection method: clinical testing. Allele origin: germline.

Literature cited by the submitters: PubMed 37204857 (cited by Labcorp Genetics (formerly Invitae), Labcorp).